The following is an entry in ClinVar:

NM_001793.6(CDH3):c.1063G>T (p.Asp355Tyr)

Gene: CDH3 (cadherin 3; plus strand). Cytogenetic location: 16q22.1.
Variant type: single nucleotide variant.
Coding change: c.1063G>T on transcript NM_001793.6 (MANE Select); coding-DNA position 1063, G replaced by T.
Protein change: p.Asp355Tyr; replaces aspartic acid 355 with tyrosine.
Molecular consequence: missense variant.
Genome position (GRCh38, 1-based): chr16:68,682,368, G>T. VCF-style: chr16-68682368-G-T. GRCh37 (hg19) VCF-style: chr16-68716271-G-T.
Other names: p-cadherin; c.1063G>T, p.Asp355Tyr (NM_001317195.3); c.898G>T, p.Asp300Tyr (NM_001317196.2); short protein forms D300Y, D355Y.
Identifiers: ClinVar variation 666276 (VCV000666276.7), dbSNP rs1597809479, ClinGen allele CA396453064.

ClinVar aggregate classification (germline): Likely pathogenic. Review status: criteria provided, single submitter (1 of 4 stars). 2 submissions from 2 submitters: Likely pathogenic (1). 1 of the submissions does not count toward it. Last evaluated 2025-09-02.

Conditions:
Congenital hypotrichosis with juvenile macular dystrophy (HJMD). Also called: HYPOTRICHOSIS WITH CONE-ROD DYSTROPHY. Identifiers: Orphanet 1573, MedGen C1832162, MONDO:0011107, OMIM 601553.

Submissions (2):

Labcorp Genetics (formerly Invitae), Labcorp
Classification: Likely pathogenic. Last evaluated: 2025-09-02. Review status: criteria provided, single submitter. Criteria: Invitae Variant Classification Sherloc (09022015). Collection method: clinical testing. Allele origin: germline.
Comment: This sequence change replaces aspartic acid, which is acidic and polar, with tyrosine, which is neutral and polar, at codon 355 of the CDH3 protein (p.Asp355Tyr). This variant is not present in population databases (gnomAD no frequency). This missense change has been observed in individual(s) with congenital hypotrichosis with juvenile macular dystrophy (PMID: 31696509). In at least one individual the data is consistent with being in trans (on the opposite chromosome) from a pathogenic variant. It has also been observed to segregate with disease in related individuals. ClinVar contains an entry for this variant (Variation ID: 666276). Invitae Evidence Modeling of protein sequence and biophysical properties (such as structural, functional, and spatial information, amino acid conservation, physicochemical variation, residue mobility, and thermodynamic stability) indicates that this missense variant is expected to disrupt CDH3 protein function with a positive predictive value of 80%. In summary, the currently available evidence indicates that the variant is pathogenic, but additional data are needed to prove that conclusively. Therefore, this variant has been classified as Likely Pathogenic.

Laboratorio de Imunogenetica e Histocompatibilidade, Universidade Federal do Parana
Classification: Pathogenic for Congenital hypotrichosis with juvenile macular dystrophy. Last evaluated: 2017-01-18. Review status: no assertion criteria provided. Collection method: research. Allele origin: paternal, unknown. Inheritance: Autosomal recessive inheritance. Affected: yes and no. Observed: 3 variant alleles, 1 heterozygote, 2 compound heterozygotes. Not counted in ClinVar's aggregate classification.
Comment: The c.1063G>T is a new variant found in our study in two sisters affected with Hypotrichosis with Juvenile Macular Dystrophy (HJMD) and in their father (not affected), all of them were heterozygous for the variant. The sisters were compound heterozygous for this variant and for the c.160+1G>A variant. The latter has been previously described by Indelman, 2007 (PMID:17342797) and Hull, 2016 (PMID: 27386845) in HJMD patients. The sisters' mother and aunt were heterozygous for c.160+1G>A. Only the two sisters were affected. Their father, mother and aunt did not present any symptom of HJDM.

Literature cited by the submitters: PubMed 31696509 (cited by Labcorp Genetics (formerly Invitae), Labcorp).